The following is an entry in ClinVar:

ClinVar aggregate classification (germline): Uncertain significance. Review status: criteria provided, multiple submitters, no conflicts (2 of 4 stars). 2 submissions from 2 submitters: Uncertain significance (2). Last evaluated 2025-06-15.

Conditions:
Osteogenesis imperfecta type I (OI1). Also called: Lobstein's Disease; Classic Non-deforming Osteogenesis Imperfecta with Blue Sclerae; Osteogenesis imperfecta type 1; Lobstein disease; OI, TYPE I; OSTEOGENESIS IMPERFECTA TARDA. Identifiers: Orphanet 216796, Orphanet 666, MedGen C0023931, MONDO:0008146, OMIM 166200. Disease mechanism: loss of function.
Ehlers-Danlos syndrome, arthrochalasia type. Also called: ARTHROCHALASIS MULTIPLEX CONGENITA; Ehlers-Danlos syndrome, arthrochalasis type; EDS VII, MUTANT PROCOLLAGEN TYPE; EDS VIIA; Ehlers-Danlos syndrome, arthrochalasia type, 1. Identifiers: Orphanet 1899, Orphanet 99875, Orphanet 99876, MedGen C4551623, MONDO:0007525, OMIM 130060.
Infantile cortical hyperostosis. Also called: P1PK BLOOD GROUP SYSTEM, P(2) PHENOTYPE; Caffey Disease; Hyperostosis, Cortical, Congenital. Identifiers: Orphanet 1310, MedGen C0020497, MONDO:0007244, OMIM 114000.
Osteogenesis imperfecta (OI). Identifiers: Orphanet 666, MedGen C0029434, MeSH D010013, MONDO:0019019.
Ehlers-Danlos syndrome, classic type (cEDS). Identifiers: Orphanet 287, MedGen C4225429, MONDO:0007522.

Allele frequency attached by ClinVar (database versions not stated): TOPMed 0.00001; ExAC 0.00010.
gnomAD v4.1: 18 of 1,548,966 alleles (0.0012%); highest among the groups gnomAD compares: Middle Eastern, 0.02%; no homozygotes.

Submissions (2):

Labcorp Genetics (formerly Invitae), Labcorp
Classification: Uncertain significance for Osteogenesis imperfecta type I. Last evaluated: 2025-06-15. Review status: criteria provided, single submitter. Criteria: Invitae Variant Classification Sherloc (09022015). Collection method: clinical testing. Allele origin: germline.
Comment: This sequence change replaces proline, which is neutral and non-polar, with serine, which is neutral and polar, at codon 129 of the COL1A1 protein (p.Pro129Ser). The frequency data for this variant in the population databases is considered unreliable, as metrics indicate poor data quality at this position in the gnomAD database. This variant has not been reported in the literature in individuals affected with COL1A1-related conditions. ClinVar contains an entry for this variant (Variation ID: 972993). Invitae Evidence Modeling of protein sequence and biophysical properties (such as structural, functional, and spatial information, amino acid conservation, physicochemical variation, residue mobility, and thermodynamic stability) has been performed for this missense variant. However, the output from this modeling did not meet the statistical confidence thresholds required to predict the impact of this variant on COL1A1 protein function. In summary, the available evidence is currently insufficient to determine the role of this variant in disease. Therefore, it has been classified as a Variant of Uncertain Significance.

GeneDx
Classification: Uncertain significance. Last evaluated: 2020-10-07. Review status: criteria provided, single submitter. Criteria: GeneDx Variant Classification Process June 2021. Collection method: clinical testing. Allele origin: germline. Affected: yes.
Comment: Has not been previously published as pathogenic or benign to our knowledge; Not observed at a significant frequency in large population cohorts (Lek et al., 2016); Not located in the major triple helical region, where the majority of pathogenic missense variants occur (Stenson et al., 2014); In silico analysis supports that this missense variant has a deleterious effect on protein structure/function

NM_000088.4(COL1A1):c.385C>T (p.Pro129Ser)

Gene: COL1A1 (collagen type I alpha 1 chain; minus strand). Cytogenetic location: 17q21.33.
Variant type: single nucleotide variant.
Coding change: c.385C>T on transcript NM_000088.4 (MANE Select); coding-DNA position 385, C replaced by T.
Protein change: p.Pro129Ser; replaces proline 129 with serine.
Molecular consequence: missense variant.
Genome position (GRCh38, 1-based): chr17:50,199,312, G>A on the plus strand (C>T on the coding strand, the complement: COL1A1 is on the minus strand). VCF-style: chr17-50199312-G-A. GRCh37 (hg19) VCF-style: chr17-48276673-G-A.
Other names: short protein forms P129S.
Identifiers: ClinVar variation 972993 (VCV000972993.15), dbSNP rs761672800, ClinGen allele CA8645710.